The following is an entry in ClinVar:

ClinVar aggregate classification (germline): Likely benign. Review status: criteria provided, multiple submitters, no conflicts (2 of 4 stars). 2 submissions from 2 submitters: Likely benign (2). Last evaluated 2025-05-01.

Allele frequency attached by ClinVar (database versions not stated): 1000 Genomes Project 30x 0.00031.
gnomAD v4.1: 65 of 1,614,176 alleles (0.004%); highest among the groups gnomAD compares: Non-Finnish European, 0.0048%; no homozygotes.

Submissions (2):

CeGaT Center for Human Genetics Tuebingen
Classification: Likely benign. Last evaluated: 2025-05-01. Review status: criteria provided, single submitter. Criteria: CeGaT Center For Human Genetics Tuebingen Variant Classification Criteria Version 2. Collection method: clinical testing. Allele origin: germline. Affected: yes. Observed: 1 variant allele.
Comment: DUOX2: BP4, BP7

Labcorp Genetics (formerly Invitae), Labcorp
Classification: Likely benign. Last evaluated: 2024-06-17. Review status: criteria provided, single submitter. Criteria: Invitae Variant Classification Sherloc (09022015). Collection method: clinical testing. Allele origin: germline.

NM_001363711.2(DUOX2):c.2703C>T (p.Ala901=)

Gene: DUOX2 (dual oxidase 2; minus strand). Cytogenetic location: 15q21.1.
Variant type: single nucleotide variant.
Coding change: c.2703C>T on transcript NM_001363711.2 (MANE Select); coding-DNA position 2703, C replaced by T.
Protein change: p.Ala901=; no amino-acid change (alanine 901 retained).
Molecular consequence: synonymous variant.
Genome position (GRCh38, 1-based): chr15:45,101,941, G>A on the plus strand (C>T on the coding strand, the complement: DUOX2 is on the minus strand). VCF-style: chr15-45101941-G-A. GRCh37 (hg19) VCF-style: chr15-45394139-G-A.
Other names: c.2703C>T, p.Ala901= (NM_014080.5).
Identifiers: ClinVar variation 2076202 (VCV002076202.11), dbSNP rs149413147, ClinGen allele CA7538171.